The following is an entry in ClinVar:

NM_002529.4(NTRK1):c.-44C>T

Genes: NTRK1 (neurotrophic receptor tyrosine kinase 1; plus strand), LOC129931647 (ATAC-STARR-seq lymphoblastoid silent region 1439; plus strand). Cytogenetic location: 1q23.1.
Variant type: single nucleotide variant.
Coding change: c.-44C>T on transcript NM_002529.4 (MANE Select); 44 bases upstream of the start codon, C replaced by T.
Molecular consequence: 5 prime UTR variant. On other transcripts: intron variant (1).
Genome position (GRCh38, 1-based): chr1:156,860,891, C>T. VCF-style: chr1-156860891-C-T. GRCh37 (hg19) VCF-style: chr1-156830683-C-T.
Other names: c.-44C>T (NM_001012331.2); c.123-3463C>T (NM_001007792.1).
Identifiers: ClinVar variation 386756 (VCV000386756.1), dbSNP rs1057522593, ClinGen allele CA16603426.
Genomic context (GRCh38, chr1:156,860,891, plus strand): 5'-TGGGTCTTTAACACCGCCCAGCGCACATGTCGGGGGAGGCCTGGCAGCTGCAGCTGGGAG[C>T]GCACAGACGGCTGCCCCGCCTGAGCGAGGCGGGCGCCGCCGCGATGCTGCGAGGCGGACG-3'

ClinVar aggregate classification (germline): Likely benign (1 of 4 stars; one submission).

Allele frequency attached by ClinVar (database versions not stated): gnomAD 0.00001; TOPMed 0.00002; gnomAD exomes 0.00010.
gnomAD v4.1: 21 of 1,403,428 alleles (0.0015%); highest among the groups gnomAD compares: East Asian, 0.02%; no homozygotes.

Submission:

GeneDx
Classification: Likely benign. Last evaluated: 2016-06-06. Review status: criteria provided, single submitter. Criteria: GeneDx Variant Classification (06012015). Collection method: clinical testing. Allele origin: germline. Affected: yes.
Comment: This variant is considered likely benign or benign based on one or more of the following criteria: it is a conservative change, it occurs at a poorly conserved position in the protein, it is predicted to be benign by multiple in silico algorithms, and/or has population frequency not consistent with disease.